The following is an entry in ClinVar:

ClinVar aggregate classification (germline): Uncertain significance. Review status: criteria provided, multiple submitters, no conflicts (2 of 4 stars). 2 submissions from 2 submitters: Uncertain significance (2). Last evaluated 2026-09-18.

Conditions:
MYO7A-related disorder. Also called: MYO7A-related disorders.

gnomAD v4.1: 4 of 1,598,806 alleles (0.00025%); highest among the groups gnomAD compares: East Asian, 0.0023%; no homozygotes.

Submissions (2):

PreventionGenetics, part of Exact Sciences
Classification: Uncertain significance for MYO7A-related condition. Last evaluated: 2026-09-18. Review status: criteria provided, single submitter. Criteria: ACMG Guidelines, 2015. Collection method: clinical testing. Allele origin: germline.
Comment: The MYO7A c.5390A>G variant is predicted to result in the amino acid substitution p.Asp1797Gly. To our knowledge, this variant has not been reported in the literature or in a large population database (gnomAD), indicating this variant is rare. At this time, the clinical significance of this variant is uncertain due to the absence of conclusive functional and genetic evidence.

Blueprint Genetics
Classification: Uncertain significance. Last evaluated: 2024-11-08. Review status: criteria provided, single submitter. Criteria: ACMG Guidelines, 2015. Collection method: clinical testing. Allele origin: germline.

NM_000260.4(MYO7A):c.5390A>G (p.Asp1797Gly)

Gene: MYO7A (myosin VIIA; plus strand). Cytogenetic location: 11q13.5.
Variant type: single nucleotide variant.
Coding change: c.5390A>G on transcript NM_000260.4 (MANE Select); coding-DNA position 5390, A replaced by G.
Protein change: p.Asp1797Gly; replaces aspartic acid 1797 with glycine.
Molecular consequence: missense variant.
Genome position (GRCh38, 1-based): chr11:77,204,139, A>G. VCF-style: chr11-77204139-A-G. GRCh37 (hg19) VCF-style: chr11-76915184-A-G.
Other names: c.5390A>G (NM_000260.3); c.5276A>G, p.Asp1759Gly (NM_001127180.2); c.5243A>G, p.Asp1748Gly (NM_001369365.1); short protein forms D1797G, D1748G, D1759G.
Identifiers: ClinVar variation 4913292 (VCV004913292.2).